The following is an entry in ClinVar:

ClinVar aggregate classification (germline): Uncertain significance (1 of 4 stars; one submission).

Conditions:
Severe early-childhood-onset retinal dystrophy (STGD1). Also called: MACULAR DYSTROPHY WITH FLECKS, TYPE 1; STGD; Stargardt macular dystrophy; Juvenile onset macular degeneration; Stargardt disease 1. Identifiers: Orphanet 364055, Orphanet 827, MedGen C1855465, MeSH D000080362, MONDO:0009549, OMIM 248200.

Allele frequency attached by ClinVar (database versions not stated): TOPMed 0.00001; gnomAD exomes 0.00001.
gnomAD v4.1: 11 of 1,542,484 alleles (0.00071%); highest among the groups gnomAD compares: Admixed American, 0.0017%; no homozygotes.

Submission:

DBGen Ocular Genomics
Classification: Uncertain significance for Severe early-childhood-onset retinal dystrophy. Last evaluated: 2022-01-01. Review status: criteria provided, single submitter. Criteria: ACMG Guidelines, 2015. Collection method: clinical testing. Allele origin: unknown. Inheritance: Autosomal recessive inheritance. Affected: yes.
Comment: Class 3 ACMG Guidelines, 2015. The algorithm predictions indicate that it activates a cryptic splicing-accepting signal.

NM_000350.3(ABCA4):c.5714+103A>G

Gene: ABCA4 (ATP binding cassette subfamily A member 4; minus strand). Cytogenetic location: 1p22.1.
Variant type: single nucleotide variant.
Coding change: c.5714+103A>G on transcript NM_000350.3 (MANE Select); 103 bases into the intron after coding-DNA position 5714, A replaced by G.
Molecular consequence: intron variant.
Genome position (GRCh38, 1-based): chr1:94,010,697, T>C on the plus strand (A>G on the coding strand, the complement: ABCA4 is on the minus strand). VCF-style: chr1-94010697-T-C. GRCh37 (hg19) VCF-style: chr1-94476253-T-C.
Identifiers: ClinVar variation 2628044 (VCV002628044.2), dbSNP rs952638888, ClinGen allele CA26837917.